The following is an entry in ClinVar:

NM_000503.6(EYA1):c.299C>A (p.Thr100Asn)

Gene: EYA1 (EYA transcriptional coactivator and phosphatase 1; minus strand). Cytogenetic location: 8q13.3.
Variant type: single nucleotide variant.
Coding change: c.299C>A on transcript NM_000503.6 (MANE Select); coding-DNA position 299, C replaced by A.
Protein change: p.Thr100Asn; replaces threonine 100 with asparagine.
Molecular consequence: missense variant. On other transcripts: intron variant (1).
Genome position (GRCh38, 1-based): chr8:71,321,853, G>T on the plus strand (C>A on the coding strand, the complement: EYA1 is on the minus strand). VCF-style: chr8-71321853-G-T. GRCh37 (hg19) VCF-style: chr8-72234088-G-T.
Other names: c.299C>A (NM_172058.3); c.296C>A, p.Thr99Asn (NM_001288574.2); c.386C>A, p.Thr129Asn (NM_001370333.1, NM_172059.5); c.299C>A, p.Thr100Asn (NM_001370334.1, NM_001370335.1, NM_172058.4); c.383C>A, p.Thr128Asn (NM_001370336.1); c.-12-41C>A (NM_001288575.2); short protein forms T100N, T129N, T99N, T128N.
Identifiers: ClinVar variation 179232 (VCV000179232.10), dbSNP rs373501480, ClinGen allele CA184017.

ClinVar aggregate classification (germline): Conflicting classifications of pathogenicity. Review status: criteria provided, conflicting classifications (1 of 4 stars). 5 submissions from 4 submitters: Uncertain significance (4); Likely benign (1). Last evaluated 2023-08-29.

Conditions:
EYA1-related disorder. Also called: EYA1-related condition.
Otofaciocervical syndrome 1 (OTFCS). Identifiers: MedGen C3714941, MONDO:0024532, OMIM 166780.
Branchiootic syndrome 1 (BOS1). Also called: BO SYNDROME 1; BRANCHIOOTIC DYSPLASIA. Identifiers: MedGen C1865143, MONDO:0011258, OMIM 602588.

Allele frequency attached by ClinVar (database versions not stated): gnomAD exomes 0.00001; TOPMed 0.00002; ExAC 0.00004; gnomAD 0.00005; ESP Exome Variant Server 0.00008.
gnomAD v4.1: 10 of 1,614,122 alleles (0.00062%); highest among the groups gnomAD compares: African/African-American, 0.0093%; no homozygotes.

Submissions (5):

PreventionGenetics, part of Exact Sciences
Classification: Uncertain significance for EYA1-related condition. Last evaluated: 2023-08-29. Review status: criteria provided, single submitter. Criteria: ACMG Guidelines, 2015. Collection method: clinical testing. Allele origin: germline.
Comment: The EYA1 c.299C>A variant is predicted to result in the amino acid substitution p.Thr100Asn. To our knowledge, this variant has not been reported in the literature. This variant is reported in 0.0080% of alleles in individuals of African descent in gnomAD. At this time, the clinical significance of this variant is uncertain due to the absence of conclusive functional and genetic evidence.

Blueprint Genetics
Classification: Uncertain significance. Last evaluated: 2022-02-07. Review status: criteria provided, single submitter. Criteria: ACMG Guidelines, 2015. Collection method: clinical testing. Allele origin: germline.

Illumina Laboratory Services, Illumina
Classification: Uncertain significance for Branchiootic syndrome. Last evaluated: 2018-01-13. Review status: criteria provided, single submitter. Criteria: ICSL Variant Classification Criteria 13 December 2019. Collection method: clinical testing. Allele origin: germline.

Illumina Laboratory Services, Illumina
Classification: Likely benign for Otofaciocervical syndrome 1. Last evaluated: 2018-01-13. Review status: criteria provided, single submitter. Criteria: ICSL Variant Classification Criteria 13 December 2019. Collection method: clinical testing. Allele origin: germline.
Comment: This variant was observed in the ICSL laboratory as part of a predisposition screen in an ostensibly healthy population. It had not been previously curated by ICSL or reported in the Human Gene Mutation Database (HGMD: prior to June 1st, 2018), and was therefore a candidate for classification through an automated scoring system. Utilizing variant allele frequency, disease prevalence and penetrance estimates, and inheritance mode, an automated score was calculated to assess if this variant is too frequent to cause the disease. Based on the score and internal cut-off values, a variant classified as likely benign is not then subjected to further curation. The score for this variant resulted in a classification of likely benign for this disease.

Laboratory for Molecular Medicine, Mass General Brigham Personalized Medicine
Classification: Uncertain significance. Last evaluated: 2013-08-19. Review status: criteria provided, single submitter. Criteria: LMM Criteria. Collection method: clinical testing. Allele origin: germline. Observed: 1 variant allele.
Comment: Variant classified as Uncertain Significance - Favor Benign. The Thr100Asn varia nt in EYA1 has not been previously reported in individuals with hearing loss, bu t has been identified in 0.02% (1/4406) of African American chromosomes by the N HLBI Exome Sequencing Project (dbSNP rs373501 480). This frequency is not high enough to rule out pathogenicity. The threonin e (Thr) residue at position 100 is not completely conserved across species, with platypus and frog having an asparagine (Asn) at this position. In summary, addi tional information is needed to determine the clinical significance of this vari ant; however, we would lean towards a more likely benign role.